The following is an entry in ClinVar:

NM_175875.5(SIX5):c.-35G>C

Genes: DM1-AS (DM1 locus antisense RNA; plus strand), SIX5 (SIX homeobox 5; minus strand), LOC107075317 (origin of replication in DMPK trinucleotide repeat region; plus strand). Cytogenetic location: 19q13.32.
Variant type: single nucleotide variant.
Coding change: c.-35G>C on transcript NM_175875.5 (MANE Select); 35 bases upstream of the start codon, G replaced by C.
Molecular consequence: 5 prime UTR variant.
Genome position (GRCh38, 1-based): chr19:45,768,879, C>G on the plus strand (G>C on the coding strand, the complement: SIX5 is on the minus strand). VCF-style: chr19-45768879-C-G. GRCh37 (hg19) VCF-style: chr19-46272137-C-G.
Identifiers: ClinVar variation 680210 (VCV000680210.1), dbSNP rs924775608, ClinGen allele CA309001866.

ClinVar aggregate classification (germline): Likely benign (1 of 4 stars; one submission).

Allele frequency attached by ClinVar (database versions not stated): gnomAD 0.00003 and 0.00004; TOPMed 0.00004.

Submission:

GeneDx
Classification: Likely benign. Last evaluated: 2018-03-20. Review status: criteria provided, single submitter. Criteria: GeneDx Variant Classification (06012015). Collection method: clinical testing. Allele origin: germline. Affected: yes.
Comment: This variant is considered likely benign or benign based on one or more of the following criteria: it is a conservative change, it occurs at a poorly conserved position in the protein, it is predicted to be benign by multiple in silico algorithms, and/or has population frequency not consistent with disease.